The following is an entry in ClinVar:

NM_000424.4(KRT5):c.1400T>C (p.Ile467Thr)

Genes: KRT5 (keratin 5; minus strand), LOC126861525 (BRD4-independent group 4 enhancer GRCh37_chr12:52909857-52911056; plus strand). Cytogenetic location: 12q13.13.
Variant type: single nucleotide variant.
Coding change: c.1400T>C on transcript NM_000424.4 (MANE Select); coding-DNA position 1400, T replaced by C.
Protein change: p.Ile467Thr; replaces isoleucine 467 with threonine.
Molecular consequence: missense variant.
Genome position (GRCh38, 1-based): chr12:52,516,676, A>G on the plus strand (T>C on the coding strand, the complement: KRT5 is on the minus strand). VCF-style: chr12-52516676-A-G. GRCh37 (hg19) VCF-style: chr12-52910460-A-G.
Other names: short protein forms I467T.
Identifiers: ClinVar variation 66210 (VCV000066210.5), dbSNP rs60271599, ClinGen allele CA216663.
Genomic context (GRCh38, chr12:52,516,676, plus strand): 5'-GAGTTCATGCTGTCTACTCACCTGCATTCCTCGCCCTCCAGCAGCTTGCGGTAAGTGGCG[A>G]TCTCCACGTCCAGGGCCAGCTTGGTGTTCATGAGCTCCTGGTACTCACGCAGCAGCCGGG-3'
Protein context (NP_000415.2, residues 457-477): MNTKLALDVE[Ile467Thr]ATYRKLLEGE

ClinVar aggregate classification (germline): Pathogenic. Review status: criteria provided, multiple submitters, no conflicts (2 of 4 stars). 3 submissions from 3 submitters: Pathogenic (2). 1 of the submissions does not count toward it. Last evaluated 2023-07-18.

Submissions (3):

Labcorp Genetics (formerly Invitae), Labcorp
Classification: Pathogenic. Last evaluated: 2023-07-18. Review status: criteria provided, single submitter. Criteria: Invitae Variant Classification Sherloc (09022015). Collection method: clinical testing. Allele origin: germline.
Comment: This variant disrupts the p.Ile467 amino acid residue in KRT5. Other variant(s) that disrupt this residue have been observed in individuals with KRT5-related conditions (PMID: 16098032, 17039244), which suggests that this may be a clinically significant amino acid residue. Advanced modeling of protein sequence and biophysical properties (such as structural, functional, and spatial information, amino acid conservation, physicochemical variation, residue mobility, and thermodynamic stability) performed at Invitae indicates that this missense variant is expected to disrupt KRT5 protein function. ClinVar contains an entry for this variant (Variation ID: 66210). This variant is also known as I466T. This missense change has been observed in individual(s) with autosomal dominant epidermolysis bullosa simplex (PMID: 9406827). In at least one individual the variant was observed to be de novo. This variant is not present in population databases (gnomAD no frequency). This sequence change replaces isoleucine, which is neutral and non-polar, with threonine, which is neutral and polar, at codon 467 of the KRT5 protein (p.Ile467Thr). For these reasons, this variant has been classified as Pathogenic.

GeneDx
Classification: Pathogenic. Last evaluated: 2017-01-10. Review status: criteria provided, single submitter. Criteria: GeneDx Variant Classification (06012015). Collection method: clinical testing. Allele origin: germline. Affected: yes.
Comment: The I467T pathogenic variant has been reported previously in association with epidermolysis bullosa simplex (Irvine et al. 1997, Arin et al. 2010). It was not observed in approximately 6500 individuals of European and African American ancestry in the NHLBI Exome Sequencing Project, indicating it is not a common benign variant in these populations. This substitution occurs within a known mutational hotspot region helix termination motif of the coil 2B region of the protein that is highly conserved across all species and among all members of the keratin family. Many other pathogenic variants in patients with epidermolysis bullosa simplex have been reported in the same residue (I467K, I467L, I467M) and in nearby residues (L463P, E466D, T469P, Y470H, R471C, R471H) according to the Human Gene Mutation Database (Stenson et al., 2014). It is well established that keratin gene mutations affecting the residues at the ends of the central rod domains of the keratin proteins (helix initiation and termination motifs) interfere with proper keratin intermediate filament assembly and function, resulting in skin fragility, blistering and/or hyperkeratosis (Chamcheu et al., 2011). Therefore, I467T is pathogenic and consistent with a diagnosis of epidermolysis bullosa simplex (EBS).

Epithelial Biology;  Institute of Medical Biology, Singapore
No classification provided. Review status: no classification provided. Collection method: not provided. Allele origin: not provided. Not counted in ClinVar's aggregate classification.

Literature cited by the submitters: PubMed 16098032 (cited by Labcorp Genetics (formerly Invitae), Labcorp); PubMed 17039244 (cited by Labcorp Genetics (formerly Invitae), Labcorp); PubMed 9406827 (cited by Labcorp Genetics (formerly Invitae), Labcorp).